The following is an entry in ClinVar:

ClinVar aggregate classification (germline): Uncertain significance (1 of 4 stars; one submission).

gnomAD v4.1: 2 of 1,614,232 alleles (0.00012%); highest among the groups gnomAD compares: Non-Finnish European, 0.00017%; no homozygotes.

Submission:

Mayo Clinic Laboratories, Mayo Clinic
Classification: Uncertain significance. Last evaluated: 2024-08-14. Review status: criteria provided, single submitter. Criteria: ACMG Guidelines, 2015. Collection method: clinical testing. Allele origin: germline. Observed: 1 variant allele.
Comment: PM2

NM_003383.5(VLDLR):c.260G>T (p.Ser87Ile)

Gene: VLDLR (very low density lipoprotein receptor; plus strand). Cytogenetic location: 9p24.2.
Variant type: single nucleotide variant.
Coding change: c.260G>T on transcript NM_003383.5 (MANE Select); coding-DNA position 260, G replaced by T.
Protein change: p.Ser87Ile; replaces serine 87 with isoleucine.
Molecular consequence: missense variant.
Genome position (GRCh38, 1-based): chr9:2,639,916, G>T. VCF-style: chr9-2639916-G-T. GRCh37 (hg19) VCF-style: chr9-2639916-G-T.
Other names: p.Ser87Ile; c.260G>T, p.Ser87Ile (NM_001018056.3, NM_001322225.2, NM_001322226.2); short protein forms S87I.
Identifiers: ClinVar variation 3379843 (VCV003379843.1).
Genomic context (GRCh38, chr9:2,639,916, plus strand): 5'-TAGTAAAGAAGACGTGTGCTGAATCTGACTTCGTGTGCAACAATGGCCAGTGTGTTCCCA[G>T]CCGATGGAAGTGTGATGGAGATCCTGACTGCGAAGATGGTTCAGATGAAAGCCCAGAACA-3'
Protein context (NP_003374.3, residues 77-97): FVCNNGQCVP[Ser87Ile]RWKCDGDPDC